The following is an entry in ClinVar:

ClinVar aggregate classification (germline): Benign (1 of 4 stars; one submission).

Allele frequency attached by ClinVar (database versions not stated): gnomAD 0.86484 and 0.86913; TOPMed 0.87693; 1000 Genomes Project 30x 0.92755; 1000 Genomes Project 0.92772.
gnomAD v4.1: 131,845 of 151,882 alleles (87%); highest among the groups gnomAD compares: East Asian, 99%; 57,540 homozygotes.

Submission:

GeneDx
Classification: Benign. Last evaluated: 2018-06-14. Review status: criteria provided, single submitter. Criteria: GeneDx Variant Classification (06012015). Collection method: clinical testing. Allele origin: germline. Affected: yes.
Comment: This variant is considered likely benign or benign based on one or more of the following criteria: it is a conservative change, it occurs at a poorly conserved position in the protein, it is predicted to be benign by multiple in silico algorithms, and/or has population frequency not consistent with disease.

NM_006073.4(TRDN):c.1738+216C>T

Gene: TRDN (triadin; minus strand). Cytogenetic location: 6q22.31.
Variant type: single nucleotide variant.
Coding change: c.1738+216C>T on transcript NM_006073.4 (MANE Select); 216 bases into the intron after coding-DNA position 1738, C replaced by T.
Molecular consequence: intron variant.
Genome position (GRCh38, 1-based): chr6:123,269,633, G>A on the plus strand (C>T on the coding strand, the complement: TRDN is on the minus strand). VCF-style: chr6-123269633-G-A. GRCh37 (hg19) VCF-style: chr6-123590778-G-A.
Identifiers: ClinVar variation 674824 (VCV000674824.1), dbSNP rs1367677, ClinGen allele CA147230841.